The following is an entry in ClinVar:

ClinVar aggregate classification (germline): Pathogenic (1 of 4 stars; one submission).

Allele frequency attached by ClinVar (database versions not stated): gnomAD exomes below 0.00001; gnomAD 0.00001; TOPMed 0.00001.
gnomAD v4.1: 3 of 1,613,718 alleles (0.00019%); highest among the groups gnomAD compares: Non-Finnish European, 0.00025%; no homozygotes.

Submission:

Labcorp Genetics (formerly Invitae), Labcorp
Classification: Pathogenic. Last evaluated: 2022-07-19. Review status: criteria provided, single submitter. Criteria: Invitae Variant Classification Sherloc (09022015). Collection method: clinical testing. Allele origin: germline.
Comment: This variant has not been reported in the literature in individuals affected with ADGRV1-related conditions. This variant is present in population databases (no rsID available, gnomAD 0.0009%). This sequence change creates a premature translational stop signal (p.Gly1748*) in the ADGRV1 gene. It is expected to result in an absent or disrupted protein product. Loss-of-function variants in ADGRV1 are known to be pathogenic (PMID: 19357117, 22135276, 22147658, 26226137, 30718709, 31047384, 32467589). ClinVar contains an entry for this variant (Variation ID: 954510). For these reasons, this variant has been classified as Pathogenic.

Literature cited by the submitters: PubMed 19357117; PubMed 22135276; PubMed 22147658; PubMed 26226137; PubMed 30718709; PubMed 31047384; PubMed 32467589.

NM_032119.4(ADGRV1):c.5242G>T (p.Gly1748Ter)

Gene: ADGRV1 (adhesion G protein-coupled receptor V1; plus strand). Cytogenetic location: 5q14.3.
Variant type: single nucleotide variant.
Coding change: c.5242G>T on transcript NM_032119.4 (MANE Select); coding-DNA position 5242, G replaced by T.
Protein change: p.Gly1748Ter; replaces glycine 1748 with a stop codon.
Molecular consequence: nonsense. On other transcripts: non-coding transcript variant (1).
Genome position (GRCh38, 1-based): chr5:90,675,374, G>T. VCF-style: chr5-90675374-G-T. GRCh37 (hg19) VCF-style: chr5-89971191-G-T.
Other names: short protein forms G1748*.
Identifiers: ClinVar variation 954510 (VCV000954510.7), dbSNP rs918660998, ClinGen allele CA122799544.